The following is an entry in ClinVar:

NM_181836.6(TMED7):c.397C>T (p.Pro133Ser)

Genes: TMED7 (transmembrane p24 trafficking protein 7; minus strand), TMED7-TICAM2 (TMED7-TICAM2 readthrough; minus strand). Cytogenetic location: 5q22.3.
Variant type: single nucleotide variant.
Coding change: c.397C>T on transcript NM_181836.6 (MANE Select); coding-DNA position 397, C replaced by T.
Protein change: p.Pro133Ser; replaces proline 133 with serine.
Molecular consequence: missense variant.
Genome position (GRCh38, 1-based): chr5:115,620,476, G>A on the plus strand (C>T on the coding strand, the complement: TMED7 is on the minus strand). VCF-style: chr5-115620476-G-A. GRCh37 (hg19) VCF-style: chr5-114956173-G-A.
Other names: c.397C>T, p.Pro133Ser (NM_001164468.4, NM_001164469.4); short protein forms P133S.
Identifiers: ClinVar variation 1931588 (VCV001931588.5), dbSNP rs780486097, ClinGen allele CA3375175.

ClinVar aggregate classification (germline): Uncertain significance (1 of 4 stars; one submission).

Allele frequency attached by ClinVar (database versions not stated): gnomAD exomes below 0.00001; ExAC 0.00001.
gnomAD v4.1: 1 of 1,585,780 alleles (0.000063%); highest among the groups gnomAD compares: Non-Finnish European, 0.000086%; no homozygotes.

Submission:

Labcorp Genetics (formerly Invitae), Labcorp
Classification: Uncertain significance. Last evaluated: 2022-04-29. Review status: criteria provided, single submitter. Criteria: Invitae Variant Classification Sherloc (09022015). Collection method: clinical testing. Allele origin: germline.
Comment: This sequence change replaces proline, which is neutral and non-polar, with serine, which is neutral and polar, at codon 133 of the TMED7 protein (p.Pro133Ser). The frequency data for this variant in the population databases is considered unreliable, as metrics indicate poor data quality at this position in the gnomAD database. This variant has not been reported in the literature in individuals affected with TMED7-related conditions. Algorithms developed to predict the effect of missense changes on protein structure and function are either unavailable or do not agree on the potential impact of this missense change (SIFT: "Tolerated"; PolyPhen-2: "Possibly Damaging"; Align-GVGD: "Class C0"). In summary, the available evidence is currently insufficient to determine the role of this variant in disease. Therefore, it has been classified as a Variant of Uncertain Significance.